The following is an entry in ClinVar:

NM_001100913.3(PACS2):c.423+1G>T

Gene: PACS2 (phosphofurin acidic cluster sorting protein 2; plus strand). Cytogenetic location: 14q32.33.
Variant type: single nucleotide variant.
Coding change: c.423+1G>T on transcript NM_001100913.3 (MANE Select); the canonical splice donor site of the intron after coding-DNA position 423, G replaced by T.
Molecular consequence: splice donor variant.
Genome position (GRCh38, 1-based): chr14:105,355,178, G>T. VCF-style: chr14-105355178-G-T. GRCh37 (hg19) VCF-style: chr14-105821515-G-T.
Other names: c.222+1G>T (NM_001243127.3); c.423+1G>T (NM_015197.4).
Identifiers: ClinVar variation 4741455 (VCV004741455.1).

ClinVar aggregate classification (germline): Uncertain significance (1 of 4 stars; one submission).

Submission:

Labcorp Genetics (formerly Invitae), Labcorp
Classification: Uncertain significance. Last evaluated: 2025-03-12. Review status: criteria provided, single submitter. Criteria: Invitae Variant Classification Sherloc (09022015). Collection method: clinical testing. Allele origin: germline.
Comment: This sequence change affects a donor splice site in intron 4 of the PACS2 gene. It is expected to disrupt RNA splicing. Variants that disrupt the donor or acceptor splice site typically lead to a loss of protein function (PMID: 16199547), however the current clinical and genetic evidence is not sufficient to establish whether loss-of-function variants in PACS2 cause disease. This variant is not present in population databases (gnomAD no frequency). This variant has not been reported in the literature in individuals affected with PACS2-related conditions. Algorithms developed to predict the effect of sequence changes on RNA splicing suggest that this variant may disrupt the consensus splice site. In summary, the available evidence is currently insufficient to determine the role of this variant in disease. Therefore, it has been classified as a Variant of Uncertain Significance.

Literature cited by the submitters: PubMed 16199547.